The following is an entry in ClinVar:

NM_001148.6(ANK2):c.7951G>C (p.Val2651Leu)

Genes: ANK2 (ankyrin 2; plus strand), LOC126807137 (CDK7 strongly-dependent group 2 enhancer GRCh37_chr4:114276560-114277759; plus strand). Cytogenetic location: 4q26.
Variant type: single nucleotide variant.
Coding change: c.7951G>C on transcript NM_001148.6 (MANE Select); coding-DNA position 7951, G replaced by C.
Protein change: p.Val2651Leu; replaces valine 2651 with leucine.
Molecular consequence: missense variant. On other transcripts: intron variant (68).
Genome position (GRCh38, 1-based): chr4:113,356,569, G>C. VCF-style: chr4-113356569-G-C. GRCh37 (hg19) VCF-style: chr4-114277725-G-C.
Other names: c.4439-4254G>C (NM_001354225.2); c.4424-4254G>C (NM_001354235.2, NM_001354246.2, NM_001354265.2); c.4427-4254G>C (NM_020977.5); c.4484-4254G>C (NM_001386152.1); c.4127-4254G>C (NM_001354273.2); c.4325-4254G>C (NM_001354236.2); c.4463-4254G>C (NM_001354232.2); c.4328-4254G>C (NM_001354228.2, NM_001354258.2); and 35 more; short protein forms V2651L, V1451L, V2573L, V2690L, V2698L.
Identifiers: ClinVar variation 430720 (VCV000430720.6), dbSNP rs777477439, ClinGen allele CA3051685.

ClinVar aggregate classification (germline): Conflicting classifications of pathogenicity. Review status: criteria provided, conflicting classifications (1 of 4 stars). 3 submissions from 3 submitters: Uncertain significance (1); Likely benign (1). 1 of the submissions does not count toward it. Last evaluated 2022-04-25.

Conditions:
Oligosynaptic infertility (SPGF1). Also called: SPERMATOGENIC FAILURE 1; OLIGOCHIASMATIC INFERTILITY. Identifiers: MedGen C0403810, MONDO:0009776, OMIM 258150.
Acromesomelic dysplasia 2B. Also called: DU PAN SYNDROME. Identifiers: Orphanet 2639, MedGen C1856738, MONDO:0009231, OMIM 228900.
Cardiovascular phenotype. Identifiers: MedGen CN230736.

Allele frequency attached by ClinVar (database versions not stated): gnomAD 0.00001; ExAC 0.00002; gnomAD exomes 0.00002 and 0.00003; TOPMed 0.00002.
gnomAD v4.1: 33 of 1,613,960 alleles (0.002%); highest among the groups gnomAD compares: Middle Eastern, 0.099%; no homozygotes.

Submissions (3):

GeneDx
Classification: Uncertain significance. Last evaluated: 2022-04-25. Review status: criteria provided, single submitter. Criteria: GeneDx Variant Classification Process June 2021. Collection method: clinical testing. Allele origin: germline. Affected: yes.
Comment: Has not been previously published as pathogenic or benign to our knowledge; In silico analysis supports that this missense variant does not alter protein structure/function; Located in exon 38, which is reported as being expressed in a brain-specific transcript (Otto et al, 1991; Cunha et al, 2008; Wu et al, 2015)

Ambry Genetics
Classification: Likely benign for Cardiovascular phenotype. Last evaluated: 2018-08-21. Review status: criteria provided, single submitter. Criteria: Ambry Variant Classification Scheme 2023. Collection method: clinical testing. Allele origin: germline.

Dept of Molecular Biology and Genetics, Bogazici University
Classification: Likely benign for Oligosynaptic infertility; Acromesomelic dysplasia 2B. Review status: no assertion criteria provided. Collection method: research. Allele origin: germline. Affected: yes. Observed: 1 variant allele, 1 homozygote. Not counted in ClinVar's aggregate classification.

Literature cited by the submitters: PubMed 228900 (cited by Dept of Molecular Biology and Genetics, Bogazici University); PubMed 258150 (cited by Dept of Molecular Biology and Genetics, Bogazici University).